The following is an entry in ClinVar:

NM_014423.4(AFF4):c.2235A>T (p.Pro745=)

Gene: AFF4 (ALF transcription elongation factor 4; minus strand). Cytogenetic location: 5q31.1.
Variant type: single nucleotide variant.
Coding change: c.2235A>T on transcript NM_014423.4 (MANE Select); coding-DNA position 2235, A replaced by T.
Protein change: p.Pro745=; no amino-acid change (proline 745 retained).
Molecular consequence: synonymous variant.
Genome position (GRCh38, 1-based): chr5:132,896,395, T>A on the plus strand (A>T on the coding strand, the complement: AFF4 is on the minus strand). VCF-style: chr5-132896395-T-A. GRCh37 (hg19) VCF-style: chr5-132232087-T-A.
Identifiers: ClinVar variation 4875177 (VCV004875177.2).

ClinVar aggregate classification (germline): Likely benign (1 of 4 stars; one submission).

Submission:

CeGaT Center for Human Genetics Tuebingen
Classification: Likely benign. Last evaluated: 2026-06-01. Review status: criteria provided, single submitter. Criteria: CeGaT Center For Human Genetics Tuebingen Variant Classification Criteria Version 2. Collection method: clinical testing. Allele origin: germline. Affected: yes. Observed: 1 variant allele.
Comment: AFF4: PM2:Supporting, BP4, BP7